The following is an entry in ClinVar:

ClinVar aggregate classification (germline): Uncertain significance. Review status: criteria provided, multiple submitters, no conflicts (2 of 4 stars). 2 submissions from 2 submitters: Uncertain significance (2). Last evaluated 2024-05-30.

Conditions:
Inborn genetic diseases. Identifiers: MedGen C0950123, MeSH D030342.

Allele frequency attached by ClinVar (database versions not stated): TOPMed 0.00002; gnomAD 0.00003; ExAC 0.00008.
gnomAD v4.1: 59 of 1,611,744 alleles (0.0037%); highest among the groups gnomAD compares: South Asian, 0.041%; 1 homozygote.

Submissions (2):

Ambry Genetics
Classification: Uncertain significance for Inborn genetic diseases. Last evaluated: 2024-05-30. Review status: criteria provided, single submitter. Criteria: Ambry Variant Classification Scheme 2023. Collection method: clinical testing. Allele origin: germline.

GeneDx
Classification: Uncertain significance. Last evaluated: 2022-10-21. Review status: criteria provided, single submitter. Criteria: GeneDx Variant Classification Process June 2021. Collection method: clinical testing. Allele origin: germline. Affected: yes.
Comment: In silico analysis supports that this missense variant has a deleterious effect on protein structure/function; Has not been previously published as pathogenic or benign to our knowledge

NM_207361.6(FREM2):c.5293C>T (p.Arg1765Cys)

Gene: FREM2 (FRAS1 related extracellular matrix 2; plus strand). Cytogenetic location: 13q13.3.
Variant type: single nucleotide variant.
Coding change: c.5293C>T on transcript NM_207361.6 (MANE Select); coding-DNA position 5293, C replaced by T.
Protein change: p.Arg1765Cys; replaces arginine 1765 with cysteine.
Molecular consequence: missense variant.
Genome position (GRCh38, 1-based): chr13:38,764,333, C>T. VCF-style: chr13-38764333-C-T. GRCh37 (hg19) VCF-style: chr13-39338470-C-T.
Other names: short protein forms R1765C.
Identifiers: ClinVar variation 2499701 (VCV002499701.2), dbSNP rs770772406, ClinGen allele CA6955209.
Genomic context (GRCh38, chr13:38,764,333, plus strand): 5'-TAATTTATGGCTTTAAATTTTTATTTTCAAGGTGGAAACAAGTTAACGTACCAGAATTTT[C>T]GTCTGAATTGGGCATGGATCTCCTTTGAAAAGGAATATTACCTGGTCAATGAGGACTCCA-3'
Protein context (NP_997244.4, residues 1755-1775): GGNKLTYQNF[Arg1765Cys]LNWAWISFEK